The following is an entry in ClinVar:

ClinVar aggregate classification (germline): Uncertain significance (1 of 4 stars; one submission).

Submission:

Labcorp Genetics (formerly Invitae), Labcorp
Classification: Uncertain significance. Last evaluated: 2020-10-28. Review status: criteria provided, single submitter. Criteria: Invitae Variant Classification Sherloc (09022015). Collection method: clinical testing. Allele origin: germline.
Comment: This variant is not present in population databases (ExAC no frequency). This sequence change replaces aspartic acid with asparagine at codon 803 of the SI protein (p.Asp803Asn). The aspartic acid residue is weakly conserved and there is a small physicochemical difference between aspartic acid and asparagine. This variant has not been reported in the literature in individuals with SI-related conditions. Advanced modeling of protein sequence and biophysical properties (such as structural, functional, and spatial information, amino acid conservation, physicochemical variation, residue mobility, and thermodynamic stability) performed at Invitae indicates that this missense variant is not expected to disrupt SI protein function. In summary, the available evidence is currently insufficient to determine the role of this variant in disease. Therefore, it has been classified as a Variant of Uncertain Significance.

NM_001041.4(SI):c.2407G>A (p.Asp803Asn)

Gene: SI (sucrase-isomaltase; minus strand). Cytogenetic location: 3q26.1.
Variant type: single nucleotide variant.
Coding change: c.2407G>A on transcript NM_001041.4 (MANE Select); coding-DNA position 2407, G replaced by A.
Protein change: p.Asp803Asn; replaces aspartic acid 803 with asparagine.
Molecular consequence: missense variant.
Genome position (GRCh38, 1-based): chr3:165,037,919, C>T on the plus strand (G>A on the coding strand, the complement: SI is on the minus strand). VCF-style: chr3-165037919-C-T. GRCh37 (hg19) VCF-style: chr3-164755707-C-T.
Other names: short protein forms D803N.
Identifiers: ClinVar variation 1484769 (VCV001484769.8), dbSNP rs927979885, ClinGen allele CA355048243.